The following is an entry in ClinVar:

ClinVar aggregate classification (germline): Uncertain significance (1 of 4 stars; one submission).

Conditions:
Inborn genetic diseases. Identifiers: MedGen C0950123, MeSH D030342.

Allele frequency attached by ClinVar (database versions not stated): TOPMed below 0.00001.

Submission:

Ambry Genetics
Classification: Uncertain significance for Inborn genetic diseases. Last evaluated: 2021-10-06. Review status: criteria provided, single submitter. Criteria: Ambry Variant Classification Scheme 2023. Collection method: clinical testing. Allele origin: germline.
Comment: The p.V454F variant (also known as c.1360G>T), located in coding exon 14 of the ERCC2 gene, results from a G to T substitution at nucleotide position 1360. The valine at codon 454 is replaced by phenylalanine, an amino acid with highly similar properties. This amino acid position is conserved. In addition, this alteration is predicted to be deleterious by in silico analysis. Since supporting evidence is limited at this time, the clinical significance of this alteration remains unclear.

NM_000400.4(ERCC2):c.1360G>T (p.Val454Phe)

Gene: ERCC2 (ERCC excision repair 2, TFIIH core complex helicase subunit; minus strand). Cytogenetic location: 19q13.32.
Variant type: single nucleotide variant.
Coding change: c.1360G>T on transcript NM_000400.4 (MANE Select); coding-DNA position 1360, G replaced by T.
Protein change: p.Val454Phe; replaces valine 454 with phenylalanine.
Molecular consequence: missense variant.
Genome position (GRCh38, 1-based): chr19:45,357,491, C>A on the plus strand (G>T on the coding strand, the complement: ERCC2 is on the minus strand). VCF-style: chr19-45357491-C-A. GRCh37 (hg19) VCF-style: chr19-45860749-C-A.
Other names: short protein forms V454F.
Identifiers: ClinVar variation 1770835 (VCV001770835.2), dbSNP rs1972052477, ClinGen allele CA406367458.